The following is an entry in ClinVar:

NM_006766.5(KAT6A):c.1445T>A (p.Met482Lys)

Gene: KAT6A (lysine acetyltransferase 6A; minus strand). Cytogenetic location: 8p11.21.
Variant type: single nucleotide variant.
Coding change: c.1445T>A on transcript NM_006766.5 (MANE Select); coding-DNA position 1445, T replaced by A.
Protein change: p.Met482Lys; replaces methionine 482 with lysine.
Molecular consequence: missense variant.
Genome position (GRCh38, 1-based): chr8:41,974,741, A>T on the plus strand (T>A on the coding strand, the complement: KAT6A is on the minus strand). VCF-style: chr8-41974741-A-T. GRCh37 (hg19) VCF-style: chr8-41832259-A-T.
Other names: c.1445T>A, p.Met482Lys (NM_001305878.2); short protein forms M482K.
Identifiers: ClinVar variation 1178084 (VCV001178084.33), dbSNP rs138707191, ClinGen allele CA4730173.

ClinVar aggregate classification (germline): Benign/Likely benign. Review status: criteria provided, multiple submitters, no conflicts (2 of 4 stars). 4 submissions from 4 submitters: Benign (3); Likely benign (1). Last evaluated 2026-04-01.

Conditions:
Inborn genetic diseases. Identifiers: MedGen C0950123, MeSH D030342.

Allele frequency attached by ClinVar (database versions not stated): 1000 Genomes Project 30x 0.00047; 1000 Genomes Project 0.00060; ESP Exome Variant Server 0.00077.
gnomAD v4.1: 1,578 of 1,610,254 alleles (0.098%); highest among the groups gnomAD compares: Non-Finnish European, 0.072%; 3 homozygotes.

Submissions (4):

CeGaT Center for Human Genetics Tuebingen
Classification: Likely benign. Last evaluated: 2026-04-01. Review status: criteria provided, single submitter. Criteria: CeGaT Center For Human Genetics Tuebingen Variant Classification Criteria Version 2. Collection method: clinical testing. Allele origin: germline. Affected: yes. Observed: 6 variant alleles.
Comment: KAT6A: BS1

Labcorp Genetics (formerly Invitae), Labcorp
Classification: Benign. Last evaluated: 2026-02-01. Review status: criteria provided, single submitter. Criteria: Invitae Variant Classification Sherloc (09022015). Collection method: clinical testing. Allele origin: germline.

Ambry Genetics
Classification: Benign for Inborn genetic diseases. Last evaluated: 2019-09-13. Review status: criteria provided, single submitter. Criteria: Ambry Variant Classification Scheme 2023. Collection method: clinical testing. Allele origin: germline.

GeneDx
Classification: Benign. Last evaluated: 2019-07-26. Review status: criteria provided, single submitter. Criteria: GeneDx Variant Classification Process June 2021. Collection method: clinical testing. Allele origin: germline. Affected: yes.